The following is an entry in ClinVar:

ClinVar aggregate classification (germline): Likely benign. Review status: criteria provided, multiple submitters, no conflicts (2 of 4 stars). 2 submissions from 2 submitters: Likely benign (2). Last evaluated 2024-07-01.

Allele frequency attached by ClinVar (database versions not stated): 1000 Genomes Project 30x 0.00016; TOPMed 0.00019; 1000 Genomes Project 0.00020; ExAC 0.00021; gnomAD 0.00021.
gnomAD v4.1: 623 of 1,613,636 alleles (0.039%); highest among the groups gnomAD compares: Non-Finnish European, 0.048%; no homozygotes.

Submissions (2):

CeGaT Center for Human Genetics Tuebingen
Classification: Likely benign. Last evaluated: 2024-07-01. Review status: criteria provided, single submitter. Criteria: CeGaT Center For Human Genetics Tuebingen Variant Classification Criteria Version 2. Collection method: clinical testing. Allele origin: germline. Affected: yes. Observed: 2 variant alleles.
Comment: ATAD3A: BP4, BP7

Blueprint Genetics
Classification: Likely benign. Last evaluated: 2024-06-06. Review status: criteria provided, single submitter. Criteria: ACMG Guidelines, 2015. Collection method: clinical testing. Allele origin: germline.

NM_001170535.3(ATAD3A):c.1698G>A (p.Gln566=)

Gene: ATAD3A (ATPase family AAA domain containing 3A; plus strand). Cytogenetic location: 1p36.33.
Variant type: single nucleotide variant.
Coding change: c.1698G>A on transcript NM_001170535.3 (MANE Select); coding-DNA position 1698, G replaced by A.
Protein change: p.Gln566=; no amino-acid change (glutamine 566 retained).
Molecular consequence: synonymous variant.
Genome position (GRCh38, 1-based): chr1:1,534,009, G>A. VCF-style: chr1-1534009-G-A. GRCh37 (hg19) VCF-style: chr1-1469389-G-A.
Other names: c.1461G>A, p.Gln487= (NM_001170536.3); c.1842G>A, p.Gln614= (NM_018188.5).
Identifiers: ClinVar variation 2638044 (VCV002638044.25), dbSNP rs551768685, ClinGen allele CA526552.